The following is an entry in ClinVar:

NM_000392.5(ABCC2):c.3008G>T (p.Trp1003Leu)

Gene: ABCC2 (ATP binding cassette subfamily C member 2; plus strand). Cytogenetic location: 10q24.2.
Variant type: single nucleotide variant.
Coding change: c.3008G>T on transcript NM_000392.5 (MANE Select); coding-DNA position 3008, G replaced by T.
Protein change: p.Trp1003Leu; replaces tryptophan 1003 with leucine.
Molecular consequence: missense variant.
Genome position (GRCh38, 1-based): chr10:99,831,735, G>T. VCF-style: chr10-99831735-G-T. GRCh37 (hg19) VCF-style: chr10-101591492-G-T.
Other names: c.3008G>T (NM_000392.4); c.3008G>T, p.Trp1003Leu (LRG_1208t1); short protein forms W1003L.
Identifiers: ClinVar variation 500765 (VCV000500765.9), dbSNP rs147566977, ClinGen allele CA5643661.

ClinVar aggregate classification (germline): Uncertain significance. Review status: criteria provided, multiple submitters, no conflicts (2 of 4 stars). 5 submissions from 5 submitters: Uncertain significance (5). Last evaluated 2026-01-26.

Conditions:
ABCC2-related disorder. Also called: ABCC2-related condition.
Dubin-Johnson syndrome (DJS). Also called: HYPERBILIRUBINEMIA, DUBIN-JOHNSON TYPE; Hyperbilirubinemia type 2; Jaundice, Chronic Idiopathic. Identifiers: Orphanet 234, MedGen C0022350, MONDO:0009380, OMIM 237500.

Allele frequency attached by ClinVar (database versions not stated): 1000 Genomes Project 30x 0.00016; 1000 Genomes Project 0.00020; gnomAD exomes 0.00028 and 0.00039; ExAC 0.00030; gnomAD 0.00038 and 0.00040; TOPMed 0.00041; ESP Exome Variant Server 0.00062.
gnomAD v4.1: 649 of 1,614,156 alleles (0.04%); highest among the groups gnomAD compares: Non-Finnish European, 0.048%; no homozygotes.

Submissions (5):

Labcorp Genetics (formerly Invitae), Labcorp
Classification: Uncertain significance. Last evaluated: 2026-01-26. Review status: criteria provided, single submitter. Criteria: Invitae Variant Classification Sherloc (09022015). Collection method: clinical testing. Allele origin: germline.
Comment: This sequence change replaces tryptophan, which is neutral and slightly polar, with leucine, which is neutral and non-polar, at codon 1003 of the ABCC2 protein (p.Trp1003Leu). This variant is present in population databases (rs147566977, gnomAD 0.05%). This variant has not been reported in the literature in individuals affected with ABCC2-related conditions. ClinVar contains an entry for this variant (Variation ID: 500765). Invitae Evidence Modeling of protein sequence and biophysical properties (such as structural, functional, and spatial information, amino acid conservation, physicochemical variation, residue mobility, and thermodynamic stability) indicates that this missense variant is not expected to disrupt ABCC2 protein function with a negative predictive value of 80%. In summary, the available evidence is currently insufficient to determine the role of this variant in disease. Therefore, it has been classified as a Variant of Uncertain Significance.

PreventionGenetics, part of Exact Sciences
Classification: Uncertain significance for ABCC2-related condition. Last evaluated: 2026-01-21. Review status: criteria provided, single submitter. Criteria: ACMG Guidelines, 2015. Collection method: clinical testing. Allele origin: germline.
Comment: The ABCC2 c.3008G>T variant is predicted to result in the amino acid substitution p.Trp1003Leu. To our knowledge, this variant has not been reported in the literature. This variant is reported in 0.050% of alleles in individuals of European (Non-Finnish) descent in gnomAD. Although we suspect that this variant may be benign, at this time, the clinical significance of this variant is uncertain due to the absence of conclusive functional and genetic evidence.

Blueprint Genetics
Classification: Uncertain significance. Last evaluated: 2024-10-16. Review status: criteria provided, single submitter. Criteria: ACMG Guidelines, 2015. Collection method: clinical testing. Allele origin: germline.

Fulgent Genetics
Classification: Uncertain significance for Dubin-Johnson syndrome. Last evaluated: 2018-10-31. Review status: criteria provided, single submitter. Criteria: ACMG Guidelines, 2015. Collection method: clinical testing. Allele origin: unknown.

Eurofins Ntd Llc (ga)
Classification: Uncertain significance. Last evaluated: 2017-03-07. Review status: criteria provided, single submitter. Criteria: EGL Classification Definitions 2015. Collection method: clinical testing. Allele origin: germline. Observed: 1 variant allele, 1 heterozygote.